The following is an entry in ClinVar:

NM_001170535.3(ATAD3A):c.1615-17G>C

Gene: ATAD3A (ATPase family AAA domain containing 3A; plus strand). Cytogenetic location: 1p36.33.
Variant type: single nucleotide variant.
Coding change: c.1615-17G>C on transcript NM_001170535.3 (MANE Select); 17 bases into the intron before coding-DNA position 1615, G replaced by C.
Molecular consequence: intron variant.
Genome position (GRCh38, 1-based): chr1:1,533,909, G>C. VCF-style: chr1-1533909-G-C. GRCh37 (hg19) VCF-style: chr1-1469289-G-C.
Other names: c.1378-17G>C (NM_001170536.3); c.1759-17G>C (NM_018188.5).
Identifiers: ClinVar variation 2688123 (VCV002688123.3), dbSNP rs28370384, ClinGen allele CA526510.
Genomic context (GRCh38, chr1:1,533,909, plus strand): 5'-CACCTCGGGGCCCTGGCGTGCATTTGGGGTGGGGGGTTCCCATGGCGGCCTCCCTCAGCT[G>C]CCTCTCTCCCCACTAGGCCACGGCGTATGCCTCCGAGGACGGGGTCCTGACCGAGGCCAT-3'

ClinVar aggregate classification (germline): Benign. Review status: criteria provided, multiple submitters, no conflicts (2 of 4 stars). 2 submissions from 2 submitters: Benign (2). Last evaluated 2024-11-26.

Allele frequency attached by ClinVar (database versions not stated): ExAC 0.34504; gnomAD 0.42192; TOPMed 0.43992; 1000 Genomes Project 0.49381; 1000 Genomes Project 30x 0.50094.

Submissions (2):

Blueprint Genetics
Classification: Benign. Last evaluated: 2024-11-26. Review status: criteria provided, single submitter. Criteria: ACMG Guidelines, 2015. Collection method: clinical testing. Allele origin: germline.

Unidad de Genómica Garrahan, Hospital de Pediatría Garrahan
Classification: Benign. Last evaluated: 2024-01-24. Review status: criteria provided, single submitter. Criteria: ACMG Guidelines, 2015. Collection method: clinical testing. Allele origin: germline. Affected: no. Observed: 47 variant alleles.
Comment: This variant is classified as Benign based on local population frequency. This variant was detected in 49% of patients studied by a panel of primary immunodeficiencies. Number of patients: 47. Only high quality variants are reported.